The following is an entry in ClinVar:

NM_152403.4(EGFLAM):c.393C>G (p.Val131=)

Gene: EGFLAM (EGF like, fibronectin type III and laminin G domains; plus strand). Cytogenetic location: 5p13.2.
Variant type: single nucleotide variant.
Coding change: c.393C>G on transcript NM_152403.4 (MANE Select); coding-DNA position 393, C replaced by G.
Protein change: p.Val131=; no amino-acid change (valine 131 retained).
Molecular consequence: synonymous variant.
Genome position (GRCh38, 1-based): chr5:38,350,602, C>G. VCF-style: chr5-38350602-C-G. GRCh37 (hg19) VCF-style: chr5-38350704-C-G.
Other names: NC_000005.9:g.38350704C>G; c.393C>G, p.Val131= (NM_001205301.2).
Identifiers: ClinVar variation 2655434 (VCV002655434.25), dbSNP rs148290116, ClinGen allele CA3241490.
Genomic context (GRCh38, chr5:38,350,602, plus strand): 5'-TGTGAGCATAGCAGCTTACAGCCAGGCTGGCAAAGGGCGGCTGAGCTCTCCTCGGCATGT[C>G]ACCACTTTGTCCCAAGGTAAAGTAGGTTCAAATTCATTAATAGGTGGCAGGCTGCTATCC-3'
Protein context (NP_689616.2, residues 121-141): GKGRLSSPRH[Val131=]TTLSQDSCLP

ClinVar aggregate classification (germline): Likely benign (1 of 4 stars; one submission).

Allele frequency attached by ClinVar (database versions not stated): 1000 Genomes Project 30x 0.00062; 1000 Genomes Project 0.00080; ESP Exome Variant Server 0.00131; TOPMed 0.00136; gnomAD 0.00137; gnomAD exomes 0.00170; ExAC 0.00173.
gnomAD v4.1: 2,709 of 1,613,998 alleles (0.17%); highest among the groups gnomAD compares: South Asian, 0.19%; 5 homozygotes.

Submissions (2):

CeGaT Center for Human Genetics Tuebingen
Classification: Likely benign. Last evaluated: 2022-05-01. Review status: criteria provided, single submitter. Criteria: CeGaT Center For Human Genetics Tuebingen Variant Classification Criteria Version 2. Collection method: clinical testing. Allele origin: germline. Affected: yes. Observed: 1 variant allele.
Comment: EGFLAM: BP4, BP7

Dr. Peter K. Rogan Lab, Western University
No classification provided (evidence only). Condition: Nonpapillary renal cell carcinoma. Review status: no classification provided. Collection method: in vitro. Allele origin: not applicable. Functional consequence: retained intron. Not counted in ClinVar's aggregate classification.